The following is an entry in ClinVar:

NM_005732.4(RAD50):c.3224T>C (p.Leu1075Ser)

Gene: RAD50 (RAD50 double strand break repair protein; plus strand). Cytogenetic location: 5q31.1.
Variant type: single nucleotide variant.
Coding change: c.3224T>C on transcript NM_005732.4 (MANE Select); coding-DNA position 3224, T replaced by C.
Protein change: p.Leu1075Ser; replaces leucine 1075 with serine.
Molecular consequence: missense variant.
Genome position (GRCh38, 1-based): chr5:132,618,129, T>C. VCF-style: chr5-132618129-T-C. GRCh37 (hg19) VCF-style: chr5-131953821-T-C.
Other names: short protein forms L1075S.
Identifiers: ClinVar variation 823235 (VCV000823235.17), dbSNP rs1581009416, ClinGen allele CA360964394.

ClinVar aggregate classification (germline): Uncertain significance. Review status: criteria provided, multiple submitters, no conflicts (2 of 4 stars). 2 submissions from 2 submitters: Uncertain significance (2). Last evaluated 2025-05-08.

Conditions:
Hereditary cancer-predisposing syndrome. Also called: Tumor predisposition; Hereditary Cancer Syndrome; Neoplastic Syndromes, Hereditary; Hereditary neoplastic syndrome. Identifiers: Orphanet 140162, MedGen C0027672, MeSH D009386, MONDO:0015356.

Allele frequency attached by ClinVar (database versions not stated): gnomAD exomes below 0.00001.
gnomAD v4.1: 3 of 1,613,830 alleles (0.00019%); highest among the groups gnomAD compares: Non-Finnish European, 0.00025%; no homozygotes.

Submissions (2):

Ambry Genetics
Classification: Uncertain significance for Hereditary cancer-predisposing syndrome. Last evaluated: 2025-05-08. Review status: criteria provided, single submitter. Criteria: Ambry Variant Classification Scheme 2023. Collection method: clinical testing. Allele origin: germline.
Comment: The p.L1075S variant (also known as c.3224T>C), located in coding exon 21 of the RAD50 gene, results from a T to C substitution at nucleotide position 3224. The leucine at codon 1075 is replaced by serine, an amino acid with dissimilar properties. This amino acid position is highly conserved in available vertebrate species. In addition, this alteration is predicted to be tolerated by in silico analysis. Since supporting evidence is limited at this time, the clinical significance of this alteration remains unclear.

Labcorp Genetics (formerly Invitae), Labcorp
Classification: Uncertain significance for Hereditary cancer-predisposing syndrome. Last evaluated: 2024-01-30. Review status: criteria provided, single submitter. Criteria: Invitae Variant Classification Sherloc (09022015). Collection method: clinical testing. Allele origin: germline.
Comment: This sequence change replaces leucine, which is neutral and non-polar, with serine, which is neutral and polar, at codon 1075 of the RAD50 protein (p.Leu1075Ser). This variant is not present in population databases (gnomAD no frequency). This variant has not been reported in the literature in individuals affected with RAD50-related conditions. ClinVar contains an entry for this variant (Variation ID: 823235). Advanced modeling of protein sequence and biophysical properties (such as structural, functional, and spatial information, amino acid conservation, physicochemical variation, residue mobility, and thermodynamic stability) performed at Invitae indicates that this missense variant is not expected to disrupt RAD50 protein function with a negative predictive value of 80%. In summary, the available evidence is currently insufficient to determine the role of this variant in disease. Therefore, it has been classified as a Variant of Uncertain Significance.